The following is an entry in ClinVar:

ClinVar aggregate classification (germline): Uncertain significance. Review status: criteria provided, single submitter (1 of 4 stars). 2 submissions from 2 submitters: Uncertain significance (1). 1 of the submissions does not count toward it. Last evaluated 2025-06-01.

Conditions:
PHIP-related disorder. Also called: PHIP-related condition; PHIP-related disorders.

gnomAD v4.1: 2 of 1,609,476 alleles (0.00012%); highest among the groups gnomAD compares: Middle Eastern, 0.017%; no homozygotes.

Submissions (2):

CeGaT Center for Human Genetics Tuebingen
Classification: Uncertain significance. Last evaluated: 2025-06-01. Review status: criteria provided, single submitter. Criteria: CeGaT Center For Human Genetics Tuebingen Variant Classification Criteria Version 2. Collection method: clinical testing. Allele origin: germline. Affected: yes. Observed: 1 variant allele.
Comment: PHIP: PM2:Supporting, BP4

PreventionGenetics, part of Exact Sciences
Classification: Likely benign for PHIP-related condition. Last evaluated: 2023-12-07. Review status: no assertion criteria provided. Collection method: clinical testing. Allele origin: germline. Not counted in ClinVar's aggregate classification.
Comment: This variant is classified as likely benign based on ACMG/AMP sequence variant interpretation guidelines (Richards et al. 2015 PMID: 25741868, with internal and published modifications).

NM_017934.7(PHIP):c.4659A>G (p.Lys1553=)

Genes: IRAK1BP1 (interleukin 1 receptor associated kinase 1 binding protein 1; plus strand), PHIP (PHIP subunit of CUL4-Ring ligase complex; minus strand). Cytogenetic location: 6q14.1.
Variant type: single nucleotide variant.
Coding change: c.4659A>G on transcript NM_017934.7 (MANE Select); coding-DNA position 4659, A replaced by G.
Protein change: p.Lys1553=; no amino-acid change (lysine 1553 retained).
Molecular consequence: synonymous variant.
Genome position (GRCh38, 1-based): chr6:78,945,469, T>C on the plus strand (A>G on the coding strand, the complement: PHIP is on the minus strand). VCF-style: chr6-78945469-T-C. GRCh37 (hg19) VCF-style: chr6-79655186-T-C.
Identifiers: ClinVar variation 3355297 (VCV003355297.11).